The following is an entry in ClinVar:

ClinVar aggregate classification (germline): Uncertain significance. Review status: criteria provided, multiple submitters, no conflicts (2 of 4 stars). 2 submissions from 2 submitters: Uncertain significance (2). Last evaluated 2026-06-03.

Conditions:
Inborn genetic diseases. Identifiers: MedGen C0950123, MeSH D030342.

Allele frequency attached by ClinVar (database versions not stated): gnomAD exomes 0.00001; TOPMed 0.00002; ExAC 0.00002; gnomAD 0.00002.
gnomAD v4.1: 12 of 1,613,790 alleles (0.00074%); highest among the groups gnomAD compares: Admixed American, 0.0033%; no homozygotes.

Submissions (2):

Ambry Genetics
Classification: Uncertain significance for Inborn genetic diseases. Last evaluated: 2026-06-03. Review status: criteria provided, single submitter. Criteria: Ambry Variant Classification Scheme 2023. Collection method: clinical testing. Allele origin: germline.

Labcorp Genetics (formerly Invitae), Labcorp
Classification: Uncertain significance. Last evaluated: 2024-02-05. Review status: criteria provided, single submitter. Criteria: Invitae Variant Classification Sherloc (09022015). Collection method: clinical testing. Allele origin: germline.
Comment: This sequence change replaces isoleucine, which is neutral and non-polar, with threonine, which is neutral and polar, at codon 133 of the CLCN7 protein (p.Ile133Thr). This variant is present in population databases (rs768525131, gnomAD 0.003%). This variant has not been reported in the literature in individuals affected with CLCN7-related conditions. ClinVar contains an entry for this variant (Variation ID: 1450704). Advanced modeling of protein sequence and biophysical properties (such as structural, functional, and spatial information, amino acid conservation, physicochemical variation, residue mobility, and thermodynamic stability) performed at Invitae indicates that this missense variant is not expected to disrupt CLCN7 protein function with a negative predictive value of 95%. In summary, the available evidence is currently insufficient to determine the role of this variant in disease. Therefore, it has been classified as a Variant of Uncertain Significance.

NM_001287.6(CLCN7):c.398T>C (p.Ile133Thr)

Gene: CLCN7 (Cl-/H+ antiporter 7; minus strand). Cytogenetic location: 16p13.3.
Variant type: single nucleotide variant.
Coding change: c.398T>C on transcript NM_001287.6 (MANE Select); coding-DNA position 398, T replaced by C.
Protein change: p.Ile133Thr; replaces isoleucine 133 with threonine.
Molecular consequence: missense variant.
Genome position (GRCh38, 1-based): chr16:1,460,902, A>G on the plus strand (T>C on the coding strand, the complement: CLCN7 is on the minus strand). VCF-style: chr16-1460902-A-G. GRCh37 (hg19) VCF-style: chr16-1510903-A-G.
Other names: c.326T>C, p.Ile109Thr (NM_001114331.3); c.398T>C (NM_001287.4); short protein forms I133T, I109T.
Identifiers: ClinVar variation 1450704 (VCV001450704.7), dbSNP rs768525131, ClinGen allele CA7810797.